The following continues an entry in ClinVar:

NM_001613.4(ACTA2):c.353G>A (p.Arg118Gln)

Gene: ACTA2. ClinVar aggregate classification (germline): Pathogenic/Likely pathogenic. Pathogenic (10); Likely pathogenic (1).

Submissions 7 to 11 of 11:

Blueprint Genetics
Classification: Pathogenic for ACTA2-related disorders. Last evaluated: 2024-07-26. Review status: criteria provided, single submitter. Criteria: ACMG Guidelines, 2015. Collection method: clinical testing. Allele origin: germline. Affected: yes. Observed: 2 variant alleles.

Women's Health and Genetics/Laboratory Corporation of America, LabCorp
Classification: Pathogenic for Familial thoracic aortic aneurysm and aortic dissection. Last evaluated: 2024-07-02. Review status: criteria provided, single submitter. Criteria: LabCorp Variant Classification Summary - May 2015. Collection method: clinical testing. Allele origin: germline.
Comment: Variant summary: ACTA2 c.353G>A (p.Arg118Gln) results in a conservative amino acid change in the encoded protein sequence. Four of five in-silico tools predict a damaging effect of the variant on protein function. The variant allele was found at a frequency of 4e-06 in 251034 control chromosomes. c.353G>A has been reported in the literature in the heterozygous state segregating with disease in multiple individuals affected with Thoracic Aortic Aneurysms And Dissections and Early-Onset Coronary Heart Disease (example, Guo_2009, Bee_2012), with at least 1 publication suggesting incomplete penetrance. Experimental evidence in a yeast background suggests that this variant has significant impacts on actin polymerization and function (example, Bergeron_2011). The following publications have been ascertained in the context of this evaluation (PMID: 23099432, 21288906, 19409525). ClinVar contains an entry for this variant (Variation ID: 199670). Based on the evidence outlined above, the variant was classified as pathogenic.

GeneDx
Classification: Pathogenic. Last evaluated: 2021-12-03. Review status: criteria provided, single submitter. Criteria: GeneDx Variant Classification Process June 2021. Collection method: clinical testing. Allele origin: germline. Affected: yes.
Comment: Not observed at a significant frequency in large population cohorts (Lek et al., 2016); In silico analysis, which includes protein predictors and evolutionary conservation, supports a deleterious effect; Reported in ClinVar as pathogenic by several other clinical laboratories (ClinVar Variant ID# 199670; Landrum et al., 2016); This variant is associated with the following publications: (PMID: 17994018, 21288906, 23099432, 28848449, 29727688, 20734336, 20689142, 21248741, 22946110, 25759435, 19409525, 31447099, 34244757)

Fulgent Genetics
Classification: Pathogenic for Aortic aneurysm, familial thoracic 6; Multisystemic smooth muscle dysfunction syndrome; Moyamoya disease 5. Last evaluated: 2021-09-23. Review status: criteria provided, single submitter. Criteria: ACMG Guidelines, 2015. Collection method: clinical testing. Allele origin: unknown.

Laboratory for Molecular Medicine, Mass General Brigham Personalized Medicine
Classification: Pathogenic for Familial thoracic aortic aneurysm and aortic dissection. Last evaluated: 2016-09-22. Review status: criteria provided, single submitter. Criteria: LMM Criteria. Collection method: clinical testing. Allele origin: germline. Inheritance: Autosomal dominant inheritance. Observed: 11 variant alleles.
Comment: The p.Arg118Gln variant in ACTA2 has been reported in 3 individuals with thoraci c aortic aneurysms and dissections (TAAD) and segregated with disease in 6 affec ted relatives from 3 families (Guo 2007, Gou 2009, Bee 2012). Furthermore, 2 add itional relatives with premature coronary artery disease also carried the varian t (Gou 2009). This variant has also been identified in 1/111342 European chromos omes by the Genome Aggregation Database (gnomAD, g; dbSNP rs112602953). Studies on cultured smooth muscle cells (SMCs) derived fr om a heterozygous carrier of this variant suggest that this variant perturbs ACT A2 filament assembly or stability (Guo 2007). In summary, this variant meets cri teria to be classified as pathogenic for familial TAAD in an autosomal dominant manner based upon segregation studies, low frequency in controls and functional evidence. ACMG/AMP criteria applied: PP1_Strong, PM2, PS3_Moderate, PP4, PS4_Sup porting.

Literature cited by the submitters: PubMed 17994018 (cited by 6 submitters); PubMed 19409525 (cited by 6 submitters); PubMed 21288906 (cited by 5 submitters); PubMed 23099432 (cited by 5 submitters); PubMed 21248741 (cited by Labcorp Genetics (formerly Invitae), Labcorp); PubMed 25759435 (cited by Labcorp Genetics (formerly Invitae), Labcorp and Victorian Clinical Genetics Services, Murdoch Childrens Research Institute); PubMed 28652363 (cited by Victorian Clinical Genetics Services, Murdoch Childrens Research Institute); PubMed 27551047 (cited by Victorian Clinical Genetics Services, Murdoch Childrens Research Institute); PubMed 32093627 (cited by Color Diagnostics, LLC DBA Color Health); PubMed 38044429 (cited by Color Diagnostics, LLC DBA Color Health and Molecular Genetics, Royal Melbourne Hospital); PubMed 35943490 (cited by Variantyx, Inc. and Molecular Genetics, Royal Melbourne Hospital).